The following is an entry in ClinVar:

ClinVar aggregate classification (germline): Pathogenic/Likely pathogenic. Review status: criteria provided, multiple submitters, no conflicts (2 of 4 stars). 2 submissions from 2 submitters: Pathogenic (1); Likely pathogenic (1). Last evaluated 2022-12-01.

Allele frequency attached by ClinVar (database versions not stated): gnomAD exomes below 0.00001.
gnomAD v4.1: 1 of 1,614,022 alleles (0.000062%); highest among the groups gnomAD compares: Non-Finnish European, 0.000085%; no homozygotes.

Submissions (2):

CeGaT Center for Human Genetics Tuebingen
Classification: Pathogenic. Last evaluated: 2022-12-01. Review status: criteria provided, single submitter. Criteria: CeGaT Center For Human Genetics Tuebingen Variant Classification Criteria Version 2. Collection method: clinical testing. Allele origin: germline. Affected: yes. Observed: 1 variant allele.
Comment: MERTK: PVS1, PM2

Labcorp Genetics (formerly Invitae), Labcorp
Classification: Likely pathogenic. Last evaluated: 2022-01-13. Review status: criteria provided, single submitter. Criteria: Invitae Variant Classification Sherloc (09022015). Collection method: clinical testing. Allele origin: germline.
Comment: This sequence change affects a donor splice site in intron 7 of the MERTK gene. It is expected to disrupt RNA splicing. Variants that disrupt the donor or acceptor splice site typically lead to a loss of protein function (PMID: 16199547), and loss-of-function variants in MERTK are known to be pathogenic (PMID: 24265693, 29659094). This variant is not present in population databases (gnomAD no frequency). This variant has not been reported in the literature in individuals affected with MERTK-related conditions. ClinVar contains an entry for this variant (Variation ID: 1068170). Algorithms developed to predict the effect of sequence changes on RNA splicing suggest that this variant may disrupt the consensus splice site. In summary, the currently available evidence indicates that the variant is pathogenic, but additional data are needed to prove that conclusively. Therefore, this variant has been classified as Likely Pathogenic.

Literature cited by the submitters: PubMed 16199547 (cited by Labcorp Genetics (formerly Invitae), Labcorp); PubMed 24265693 (cited by Labcorp Genetics (formerly Invitae), Labcorp); PubMed 29659094 (cited by Labcorp Genetics (formerly Invitae), Labcorp).

NM_006343.3(MERTK):c.1144+1G>A

Genes: MERTK (MER proto-oncogene, tyrosine kinase; plus strand), LOC112806037 (Sharpr-MPRA regulatory region 3720; plus strand). Cytogenetic location: 2q13.
Variant type: single nucleotide variant.
Coding change: c.1144+1G>A on transcript NM_006343.3 (MANE Select); the canonical splice donor site of the intron after coding-DNA position 1144, G replaced by A.
Molecular consequence: splice donor variant.
Genome position (GRCh38, 1-based): chr2:111,975,473, G>A. VCF-style: chr2-111975473-G-A. GRCh37 (hg19) VCF-style: chr2-112733050-G-A.
Identifiers: ClinVar variation 1068170 (VCV001068170.35), dbSNP rs2104733978, ClinGen allele CA348233895.
Genomic context (GRCh38, chr2:111,975,473, plus strand): 5'-TGAATGAAATAGGCTGGTCTGCAGTGAGCCCTTGGATTCTAGCCAGCACGACTGAAGGAG[G>A]TAATTCCTGGGGTTCAGAATGTATATTGCCCCCAATGACATGTGATTCAACAAACCCTTC-3'